The following is an entry in ClinVar:

ClinVar aggregate classification (germline): Uncertain significance (1 of 4 stars; one submission).

Conditions:
Hereditary cancer-predisposing syndrome. Also called: Hereditary neoplastic syndrome; Neoplastic Syndromes, Hereditary; Tumor predisposition; Hereditary Cancer Syndrome. Identifiers: Orphanet 140162, MedGen C0027672, MeSH D009386, MONDO:0015356.

Submission:

Ambry Genetics
Classification: Uncertain significance for Hereditary cancer-predisposing syndrome. Last evaluated: 2025-02-09. Review status: criteria provided, single submitter. Criteria: Ambry Variant Classification Scheme 2023. Collection method: clinical testing. Allele origin: germline.
Comment: The p.A10G variant (also known as c.29C>G), located in coding exon 1 of the GREM1 gene, results from a C to G substitution at nucleotide position 29. The alanine at codon 10 is replaced by glycine, an amino acid with similar properties. This amino acid position is conserved. In addition, this alteration is predicted to be tolerated by in silico analysis. Based on the available evidence, the clinical significance of this variant remains unclear.

NM_013372.7(GREM1):c.29C>G (p.Ala10Gly)

Gene: GREM1 (gremlin 1, DAN family BMP antagonist; plus strand). Cytogenetic location: 15q13.3.
Variant type: single nucleotide variant.
Coding change: c.29C>G on transcript NM_013372.7 (MANE Select); coding-DNA position 29, C replaced by G.
Protein change: p.Ala10Gly; replaces alanine 10 with glycine.
Molecular consequence: missense variant. On other transcripts: splice donor variant (1).
Genome position (GRCh38, 1-based): chr15:32,730,719, C>G. VCF-style: chr15-32730719-C-G. GRCh37 (hg19) VCF-style: chr15-33022920-C-G.
Other names: c.29C>G, p.Ala10Gly (NM_001191323.2, NM_001368719.1); c.27+2C>G (NM_001191322.2); short protein forms A10G.
Identifiers: ClinVar variation 3855666 (VCV003855666.1).
Genomic context (GRCh38, chr15:32,730,719, plus strand): 5'-GTCTTCCCCTCTCTGTGCTTCCTTTCTTTAGTATGAGCCGCACAGCCTACACGGTGGGAG[C>G]CCTGCTTCTCCTCTTGGGGACCCTGCTGCCGGCTGCTGAAGGGAAAAAGAAAGGGTCCCA-3'
Protein context (NP_037504.1, residues 1-20): MSRTAYTVG[Ala10Gly]LLLLLGTLLP